The following is an entry in ClinVar:

ClinVar aggregate classification (germline): Uncertain significance (1 of 4 stars; one submission).

Conditions:
Inborn genetic diseases. Identifiers: MedGen C0950123, MeSH D030342.

gnomAD v4.1: 5 of 1,592,766 alleles (0.00031%); highest among the groups gnomAD compares: Non-Finnish European, 0.00043%; no homozygotes.

Submission:

Ambry Genetics
Classification: Uncertain significance for Inborn genetic diseases. Last evaluated: 2026-08-31. Review status: criteria provided, single submitter. Criteria: Ambry Variant Classification Scheme 2023. Collection method: clinical testing. Allele origin: germline.
Comment: The c.2756A>G (p.K919R) alteration is located in exon 13 (coding exon 13) of the CHD8 gene. This alteration results from a A to G substitution at nucleotide position 2756, causing the lysine (K) at amino acid position 919 to be replaced by an arginine (R). Based on data from gnomAD, the G allele has an overall frequency of <0.001% (1/213190) total alleles studied. The highest observed frequency was 0.001% (1/93806) of European (non-Finnish) alleles. Based on insufficient or conflicting evidence, the clinical significance of this alteration remains unclear.

NM_001170629.2(CHD8):c.2756A>G (p.Lys919Arg)

Gene: CHD8 (chromodomain helicase DNA binding protein 8; minus strand). Cytogenetic location: 14q11.2.
Variant type: single nucleotide variant.
Coding change: c.2756A>G on transcript NM_001170629.2 (MANE Select); coding-DNA position 2756, A replaced by G.
Protein change: p.Lys919Arg; replaces lysine 919 with arginine.
Molecular consequence: missense variant.
Genome position (GRCh38, 1-based): chr14:21,407,007, T>C on the plus strand (A>G on the coding strand, the complement: CHD8 is on the minus strand). VCF-style: chr14-21407007-T-C. GRCh37 (hg19) VCF-style: chr14-21875166-T-C.
Other names: c.1919A>G, p.Lys640Arg (NM_020920.4); short protein forms K640R, K919R.
Identifiers: ClinVar variation 5034534 (VCV005034534.1).